The following is an entry in ClinVar:

NM_153460.4(IL17RC):c.1983C>G (p.Asp661Glu)

Gene: IL17RC (interleukin 17 receptor C; plus strand). Cytogenetic location: 3p25.3.
Variant type: single nucleotide variant.
Coding change: c.1983C>G on transcript NM_153460.4 (MANE Select); coding-DNA position 1983, C replaced by G.
Protein change: p.Asp661Glu; replaces aspartic acid 661 with glutamic acid.
Molecular consequence: missense variant. On other transcripts: non-coding transcript variant (1).
Genome position (GRCh38, 1-based): chr3:9,933,413, C>G. VCF-style: chr3-9933413-C-G. GRCh37 (hg19) VCF-style: chr3-9975097-C-G.
Other names: c.1944C>G, p.Asp648Glu (NM_001203263.2); c.1893C>G, p.Asp631Glu (NM_001203264.2); c.1887C>G, p.Asp629Glu (NM_001203265.2); c.1905C>G, p.Asp635Glu (NM_001367278.1); c.1824C>G, p.Asp608Glu (NM_001367279.1); c.1899C>G, p.Asp633Glu (NM_001367280.1); c.1848C>G, p.Asp616Glu (NM_001410711.1); c.1938C>G, p.Asp646Glu (NM_032732.6); and 1 more; short protein forms D616E, D631E, D648E, D661E, D633E, D635E, D646E, D732E.
Identifiers: ClinVar variation 2106963 (VCV002106963.4), dbSNP rs966979071, ClinGen allele CA351709000.

ClinVar aggregate classification (germline): Uncertain significance (1 of 4 stars; one submission).

Conditions:
Candidiasis, familial, 9 (CANDF9). Identifiers: Orphanet 1334, MedGen C4225324, MONDO:0014642, OMIM 616445.

Submission:

Labcorp Genetics (formerly Invitae), Labcorp
Classification: Uncertain significance for Candidiasis, familial, 9. Last evaluated: 2022-08-09. Review status: criteria provided, single submitter. Criteria: Invitae Variant Classification Sherloc (09022015). Collection method: clinical testing. Allele origin: germline.
Comment: This variant is not present in population databases (gnomAD no frequency). This sequence change replaces aspartic acid, which is acidic and polar, with glutamic acid, which is acidic and polar, at codon 732 of the IL17RC protein (p.Asp732Glu). This variant has not been reported in the literature in individuals affected with IL17RC-related conditions. In summary, the available evidence is currently insufficient to determine the role of this variant in disease. Therefore, it has been classified as a Variant of Uncertain Significance. Algorithms developed to predict the effect of missense changes on protein structure and function output the following: SIFT: "Tolerated"; PolyPhen-2: "Benign"; Align-GVGD: "Class C0". The glutamic acid amino acid residue is found in multiple mammalian species, which suggests that this missense change does not adversely affect protein function.